The following is an entry in ClinVar:

NM_001374736.1(DST):c.13388A>G (p.His4463Arg)

Gene: DST (dystonin; minus strand). Cytogenetic location: 6p12.1.
Variant type: single nucleotide variant.
Coding change: c.13388A>G on transcript NM_001374736.1 (MANE Select); coding-DNA position 13388, A replaced by G.
Protein change: p.His4463Arg; replaces histidine 4463 with arginine.
Molecular consequence: missense variant.
Genome position (GRCh38, 1-based): chr6:56,572,913, T>C on the plus strand (A>G on the coding strand, the complement: DST is on the minus strand). VCF-style: chr6-56572913-T-C. GRCh37 (hg19) VCF-style: chr6-56437711-T-C.
Other names: c.12755A>G, p.His4252Arg (NM_001374729.1); c.6497A>G, p.His2166Arg (NM_001374730.1, NM_001386100.1, NM_183380.4); c.13415A>G, p.His4472Arg (NM_001374734.1); c.5519A>G, p.His1840Arg (NM_015548.5); c.7031A>G, p.His2344Arg (NM_001144769.5); c.6617A>G, p.His2206Arg (NM_001144770.2); c.13388A>G, p.His4463Arg (NM_001374722.1); short protein forms H1840R, H2344R, H2166R, H2206R, H4252R, H4463R, H4472R.
Identifiers: ClinVar variation 660085 (VCV000660085.2), dbSNP rs1585223385, ClinGen allele CA364527432.

ClinVar aggregate classification (germline): Uncertain significance. Review status: criteria provided, multiple submitters, no conflicts (2 of 4 stars). 2 submissions from 2 submitters: Uncertain significance (2). Last evaluated 2018-12-21.

Conditions:
Epidermolysis bullosa simplex 3, localized or generalized intermediate, with BP230 deficiency (EBS3). Also called: Epidermolysis bullosa simplex due to BP230 deficiency; Epidermolysis bullosa simplex, autosomal recessive 2. Identifiers: Orphanet 412181, MedGen C3809470, MONDO:0014180, OMIM 615425.
Hereditary sensory and autonomic neuropathy type 6. Also called: HSAN VI; Neuropathy, hereditary sensory and autonomic, type VI. Identifiers: Orphanet 314381, MedGen C3539003, MONDO:0013839, OMIM 614653.

Submissions (2):

Labcorp Genetics (formerly Invitae), Labcorp
Classification: Uncertain significance for Epidermolysis bullosa simplex, autosomal recessive 2; Neuropathy, hereditary sensory and autonomic, type VI. Last evaluated: 2018-12-21. Review status: criteria provided, single submitter. Criteria: Invitae Variant Classification Sherloc (09022015). Collection method: clinical testing. Allele origin: germline.
Comment: This sequence change replaces histidine with arginine at codon 1840 of the DST protein (p.His1840Arg). The histidine residue is weakly conserved and there is a small physicochemical difference betweenÂ¬â€ histidineÂ¬â€ andÂ¬â€ arginine. The DST gene has multiple clinically relevant transcripts. TheÂ¬â€ p.His1840ArgÂ¬â€ variant occurs in alternate transcriptÂ¬â€ NM_015548.4, which corresponds toÂ¬â€ c.*42604A>GÂ¬â€ inÂ¬â€ NM_001723.5, the primary transcript listed in the Methods. This variant is not present in population databases (ExAC no frequency). This variant has not been reported in the literature in individuals with DST-related conditions. Algorithms developed to predict the effect of missense changes on protein structure and function are either unavailable or do not agree on the potential impact of this missense change (SIFT: "Tolerated"; PolyPhen-2: "Not Available"; Align-GVGD: "Class C0"). In summary, the available evidence is currently insufficient to determine the role of this variant in disease. Therefore, it has been classified as a Variant of Uncertain Significance.

Breakthrough Genomics
Classification: Uncertain significance. Review status: criteria provided, single submitter. Criteria: ACMG Guidelines, 2015. Collection method: not provided. Allele origin: germline. Inheritance: Autosomal recessive inheritance. Affected: yes.